The following is an entry in ClinVar:

NM_015650.4(TRAF3IP1):c.987+23_987+24insTTTTTTTTTTTTTTTTTTTTNNNNNNNNNNGCCCGCCTCGGCCTCCCAAAGTGCTGGGATTACAGGCGTGAGCCACCGCGCCCGGCCTAAAAAATAACTTTT

Gene: TRAF3IP1 (TRAF3 interacting protein 1; plus strand). Cytogenetic location: 2q37.3.
Variant type: Insertion.
Coding change: c.987+23_987+24insTTTTTTTTTTTTTTTTTTTTNNNNNNNNNNGCCCGCCTCGGCCTCCCAAAGTGCTGGGATTACAGGCGTGAGCCACCGCGCCCGGCCTAAAAAATAACTTTT on transcript NM_015650.4 (MANE Select); bases 23 to 24 of the intron after coding-DNA position 987, TTTTTTTTTTTTTTTTTTTTNNNNNNNNNNGCCCGCCTCGGCCTCCCAAAGTGCTGGGATTACAGGCGTGAGCCACCGCGCCCGGCCTAAAAAATAACTTTT inserted.
Molecular consequence: intron variant.
Genome position: GRCh38: chr2:238,332,918-238,332,919. GRCh37 (hg19): chr2:239,241,559-239,241,560.
Other names: c.987+23_987+24insTTTTTTTTTTTTTTTTTTTTNNNNNNNNNNGCCCGCCTCGGCCTCCCAAAGTGCTGGGATTACAGGCGTGAGCCACCGCGCCCGGCCTAAAAAATAACTTTT (NM_001139490.1).
Identifiers: ClinVar variation 2002558 (VCV002002558.4), dbSNP rs2469630050.

ClinVar aggregate classification (germline): Uncertain significance (1 of 4 stars; one submission).

Submission:

Labcorp Genetics (formerly Invitae), Labcorp
Classification: Uncertain significance. Last evaluated: 2022-06-16. Review status: criteria provided, single submitter. Criteria: Invitae Variant Classification Sherloc (09022015). Collection method: clinical testing. Allele origin: germline.
Comment: In summary, the available evidence is currently insufficient to determine the role of this variant in disease. Therefore, it has been classified as a Variant of Uncertain Significance. Experimental studies and prediction algorithms are not available or were not evaluated, and the effect of this variant on mRNA splicing is currently unknown. This variant has not been reported in the literature in individuals affected with TRAF3IP1-related conditions. This variant is not present in population databases (gnomAD no frequency). This sequence change falls in intron 6 of the TRAF3IP1 gene. It does not directly change the encoded amino acid sequence of the TRAF3IP1 protein.